The following is an entry in ClinVar:

NM_000256.3(MYBPC3):c.3690_3691del (p.Phe1230fs)

Gene: MYBPC3 (myosin binding protein C3; minus strand). Cytogenetic location: 11p11.2.
Variant type: Deletion.
Coding change: c.3690_3691del on transcript NM_000256.3 (MANE Select); coding-DNA positions 3690 to 3691, 2 bases deleted (CA; older notation c.3690_3691delCA).
Protein change: p.Phe1230fs; shifts the reading frame from phenylalanine 1230.
Molecular consequence: frameshift variant.
Genome position (GRCh38, 1-based): chr11:47,332,195-47,332,196, TG deleted on the plus strand (CA on the coding strand, the reverse complement: MYBPC3 is on the minus strand). VCF-style (leftmost placement, unchanged base first): chr11-47332194-CTG-C. GRCh37 (hg19) VCF-style: chr11-47353745-CTG-C.
Other names: c.3690_3691delCA (NM_000256.3); c.3690_3691del, p.Phe1230fs (LRG_386t1); short protein forms F1230fs.
Identifiers: ClinVar variation 177899 (VCV000177899.4), dbSNP rs727504390, ClinGen allele CA014638.

ClinVar aggregate classification (germline): Pathogenic (0 of 4 stars; one submission).

Conditions:
Hypertrophic cardiomyopathy. Also called: HYPERTROPHIC MYOCARDIOPATHY. Identifiers: Orphanet 217569, MedGen C0007194, MeSH D002312, MONDO:0005045, HP:0001639.

Allele frequency attached by ClinVar (database versions not stated): gnomAD exomes below 0.00001.

Submission:

Laboratory for Molecular Medicine, Mass General Brigham Personalized Medicine
Classification: Pathogenic for Hypertrophic cardiomyopathy. Last evaluated: 2013-03-05. Review status: no assertion criteria provided. Collection method: clinical testing. Allele origin: germline. Inheritance: Autosomal dominant inheritance. Observed: 1 variant allele.
Comment: proposed classification - variant undergoing re-assessment, contact laboratory